The following is an entry in ClinVar:

NM_001080449.3(DNA2):c.441+5A>G

Gene: DNA2 (DNA replication helicase/nuclease 2; minus strand). Cytogenetic location: 10q21.3.
Variant type: single nucleotide variant.
Coding change: c.441+5A>G on transcript NM_001080449.3 (MANE Select); 5 bases into the intron after coding-DNA position 441, A replaced by G.
Molecular consequence: intron variant.
Genome position (GRCh38, 1-based): chr10:68,468,118, T>C on the plus strand (A>G on the coding strand, the complement: DNA2 is on the minus strand). VCF-style: chr10-68468118-T-C. GRCh37 (hg19) VCF-style: chr10-70227875-T-C.
Identifiers: ClinVar variation 1929922 (VCV001929922.5), dbSNP rs373252689, ClinGen allele CA5525304.

ClinVar aggregate classification (germline): Uncertain significance (1 of 4 stars; one submission).

Allele frequency attached by ClinVar (database versions not stated): gnomAD exomes below 0.00001; TOPMed below 0.00001; ExAC 0.00001; gnomAD 0.00001; ESP Exome Variant Server 0.00008.
gnomAD v4.1: 5 of 1,553,276 alleles (0.00032%); highest among the groups gnomAD compares: Non-Finnish European, 0.00035%; no homozygotes.

Submission:

Labcorp Genetics (formerly Invitae), Labcorp
Classification: Uncertain significance. Last evaluated: 2023-07-16. Review status: criteria provided, single submitter. Criteria: Invitae Variant Classification Sherloc (09022015). Collection method: clinical testing. Allele origin: germline.
Comment: This variant is present in population databases (rs373252689, gnomAD no frequency). This sequence change falls in intron 3 of the DNA2 gene. It does not directly change the encoded amino acid sequence of the DNA2 protein. It affects a nucleotide within the consensus splice site. This variant has not been reported in the literature in individuals affected with DNA2-related conditions. In summary, the available evidence is currently insufficient to determine the role of this variant in disease. Therefore, it has been classified as a Variant of Uncertain Significance. Variants that disrupt the consensus splice site are a relatively common cause of aberrant splicing (PMID: 17576681, 9536098). Algorithms developed to predict the effect of sequence changes on RNA splicing suggest that this variant is not likely to affect RNA splicing. ClinVar contains an entry for this variant (Variation ID: 1929922).

Literature cited by the submitters: PubMed 17576681; PubMed 9536098.